The following is an entry in ClinVar:

NM_014391.3(ANKRD1):c.385C>G (p.Leu129Val)

Gene: ANKRD1 (ankyrin repeat domain 1; minus strand). Cytogenetic location: 10q23.31.
Variant type: single nucleotide variant.
Coding change: c.385C>G on transcript NM_014391.3 (MANE Select); coding-DNA position 385, C replaced by G.
Protein change: p.Leu129Val; replaces leucine 129 with valine.
Molecular consequence: missense variant.
Genome position (GRCh38, 1-based): chr10:90,918,933, G>C on the plus strand (C>G on the coding strand, the complement: ANKRD1 is on the minus strand). VCF-style: chr10-90918933-G-C. GRCh37 (hg19) VCF-style: chr10-92678690-G-C.
Other names: short protein forms L129V.
Identifiers: ClinVar variation 3543114 (VCV003543114.1).
Genomic context (GRCh38, chr10:90,918,933, plus strand): 5'-AAACATCTGGATTGTTCTTGTCTGACAAGAATTTTTCTACTACTGGCAGTTTATTCTCCA[G>C]AGCAGCCTTCAGAAACGTAGGCACATCCACAGGTTCCGTCTAAAGCCAAAATAAATAAAT-3'
Protein context (NP_055206.2, residues 119-139): VDVPTFLKAA[Leu129Val]ENKLPVVEKF

ClinVar aggregate classification (germline): Uncertain significance (1 of 4 stars; one submission).

Conditions:
Cardiovascular phenotype. Identifiers: MedGen CN230736.

gnomAD v4.1: 1 of 1,610,294 alleles (0.000062%); highest among the groups gnomAD compares: African/African-American, 0.0014%; no homozygotes.

Submission:

Ambry Genetics
Classification: Uncertain significance for Cardiovascular phenotype. Last evaluated: 2024-11-01. Review status: criteria provided, single submitter. Criteria: Ambry Variant Classification Scheme 2023. Collection method: clinical testing. Allele origin: germline.
Comment: The p.L129V variant (also known as c.385C>G), located in coding exon 4 of the ANKRD1 gene, results from a C to G substitution at nucleotide position 385. The leucine at codon 129 is replaced by valine, an amino acid with highly similar properties. This amino acid position is conserved. In addition, this alteration is predicted to be tolerated by in silico analysis. Based on the available evidence, the clinical significance of this variant remains unclear.